The following is an entry in ClinVar:

NM_004006.3(DMD):c.265-513C>T

Gene: DMD (dystrophin; minus strand). Cytogenetic location: Xp21.1.
Variant type: single nucleotide variant.
Coding change: c.265-513C>T on transcript NM_004006.3 (MANE Select); 513 bases into the intron before coding-DNA position 265, C replaced by T.
Molecular consequence: intron variant.
Genome position (GRCh38, 1-based): chrX:32,823,900, G>A on the plus strand (C>T on the coding strand, the complement: DMD is on the minus strand). VCF-style: chrX-32823900-G-A. GRCh37 (hg19) VCF-style: chrX-32842017-G-A.
Other names: c.241-513C>T (NM_000109.4); c.253-513C>T (NM_004009.3); c.-105-513C>T (NM_004010.3).
Identifiers: ClinVar variation 4813722 (VCV004813722.1).

ClinVar aggregate classification (germline): Likely pathogenic (1 of 4 stars; one submission).

Conditions:
Becker muscular dystrophy (BMD). Also called: MUSCULAR DYSTROPHY, PSEUDOHYPERTROPHIC PROGRESSIVE, BECKER TYPE; Becker Muscular Dystrophy (BMD). Identifiers: Orphanet 98895, MedGen C0917713, MONDO:0010311, OMIM 300376.

Submission:

Variantyx, Inc.
Classification: Likely pathogenic for Becker muscular dystrophy. Last evaluated: 2025-05-05. Review status: criteria provided, single submitter. Criteria: Variantyx Assertion Criteria 2022. Collection method: clinical testing. Allele origin: maternal. Inheritance: X-linked recessive inheritance. Affected: yes.
Comment: This is an intronic variant in the DMD gene (OMIM: 300377). Pathogenic variants in this gene have been associated with X-linked Duchenne and Becker muscular dystrophies. Functional studies have shown that this variant creates a novel donor splice site that activates pseudoexon inclusion, leading to aberrant DMD transcripts alongside residual normal splicing, which results in variable dystrophin expression and a milder BMD phenotype. Loss of function is a known mechanism of disease for DMD in this disorder (PMID: 36319768) (PVS1_Strong). This variant has been reported in an affected individuals (PMID: 36319768) (PS4) and is absent from control populations (PM2). Based on the current evidence, this variant is classified as likely pathogenic for X-linked Becker muscular dystrophy.

Literature cited by the submitters: PubMed 36319768.